The following is an entry in ClinVar:

NM_000136.3(FANCC):c.273A>G (p.Ile91Met)

Gene: FANCC (FA complementation group C; minus strand). Cytogenetic location: 9q22.32.
Variant type: single nucleotide variant.
Coding change: c.273A>G on transcript NM_000136.3 (MANE Select); coding-DNA position 273, A replaced by G.
Protein change: p.Ile91Met; replaces isoleucine 91 with methionine.
Molecular consequence: missense variant.
Genome position (GRCh38, 1-based): chr9:95,240,721, T>C on the plus strand (A>G on the coding strand, the complement: FANCC is on the minus strand). VCF-style: chr9-95240721-T-C. GRCh37 (hg19) VCF-style: chr9-98003003-T-C.
Other names: c.273A>G, p.Ile91Met (NM_001243743.2, NM_001243744.2); short protein forms I91M.
Identifiers: ClinVar variation 2174614 (VCV002174614.5), dbSNP rs2542756617, ClinGen allele CA374339441.
Genomic context (GRCh38, chr9:95,240,721, plus strand): 5'-GTTAAGTTTTGATTGTCCAGAATTCTGTGGTTCTTTGTTAATTAGACAACATAAGCACCA[T>C]ATTAGAATTTTTTGGCTTTCATCTACAAAAAGGAAAACTTAATAAGTTTTATCAAGCAGA-3'
Protein context (NP_000127.2, residues 81-101): LAYDESQKIL[Ile91Met]WCLCCLINKE

ClinVar aggregate classification (germline): Uncertain significance. Review status: criteria provided, multiple submitters, no conflicts (2 of 4 stars). 2 submissions from 2 submitters: Uncertain significance (2). Last evaluated 2025-05-15.

Conditions:
Hereditary cancer-predisposing syndrome. Also called: Tumor predisposition; Hereditary neoplastic syndrome; Neoplastic Syndromes, Hereditary; Hereditary Cancer Syndrome. Identifiers: Orphanet 140162, MedGen C0027672, MeSH D009386, MONDO:0015356.
Fanconi anemia (FA). Also called: Fanconi's anemia. Identifiers: Orphanet 84, MedGen C0015625, MeSH D005199, MONDO:0019391.

Allele frequency attached by ClinVar (database versions not stated): gnomAD exomes below 0.00001.
gnomAD v4.1: 1 of 1,612,408 alleles (0.000062%); highest among the groups gnomAD compares: Non-Finnish European, 0.000085%; no homozygotes.

Submissions (2):

Ambry Genetics
Classification: Uncertain significance for Hereditary cancer-predisposing syndrome. Last evaluated: 2025-05-15. Review status: criteria provided, single submitter. Criteria: Ambry Variant Classification Scheme 2023. Collection method: clinical testing. Allele origin: germline.
Comment: The p.I91M variant (also known as c.273A>G), located in coding exon 3 of the FANCC gene, results from an A to G substitution at nucleotide position 273. The isoleucine at codon 91 is replaced by methionine, an amino acid with highly similar properties. This amino acid position is conserved. In addition, this alteration is predicted to be tolerated by in silico analysis. Based on the available evidence, the clinical significance of this variant remains unclear.

Labcorp Genetics (formerly Invitae), Labcorp
Classification: Uncertain significance for Fanconi anemia. Last evaluated: 2022-08-21. Review status: criteria provided, single submitter. Criteria: Invitae Variant Classification Sherloc (09022015). Collection method: clinical testing. Allele origin: germline.
Comment: In summary, the available evidence is currently insufficient to determine the role of this variant in disease. Therefore, it has been classified as a Variant of Uncertain Significance. Algorithms developed to predict the effect of missense changes on protein structure and function output the following: SIFT: "Tolerated"; PolyPhen-2: "Benign"; Align-GVGD: "Class C0". The methionine amino acid residue is found in multiple mammalian species, which suggests that this missense change does not adversely affect protein function. This variant has not been reported in the literature in individuals affected with FANCC-related conditions. This variant is not present in population databases (gnomAD no frequency). This sequence change replaces isoleucine, which is neutral and non-polar, with methionine, which is neutral and non-polar, at codon 91 of the FANCC protein (p.Ile91Met).